The following is an entry in ClinVar:

NM_001004334.4(GPR179):c.*523G>A

Gene: GPR179 (G protein-coupled receptor 179; minus strand). Cytogenetic location: 17q12.
Variant type: single nucleotide variant.
Coding change: c.*523G>A on transcript NM_001004334.4 (MANE Select); 523 bases downstream of the stop codon, G replaced by A.
Molecular consequence: 3 prime UTR variant.
Genome position (GRCh38, 1-based): chr17:38,325,942, C>T on the plus strand (G>A on the coding strand, the complement: GPR179 is on the minus strand). VCF-style: chr17-38325942-C-T. GRCh37 (hg19) VCF-style: chr17-36481825-C-T.
Identifiers: ClinVar variation 322957 (VCV000322957.5), dbSNP rs143241101, ClinGen allele CA10649146.

ClinVar aggregate classification (germline): Benign (1 of 4 stars; one submission).

Conditions:
Congenital stationary night blindness 1E. Also called: Night blindness, congenital stationary (complete), 1E, autosomal recessive. Identifiers: Orphanet 215, MedGen C3281215, MONDO:0013807, OMIM 614565.

Allele frequency attached by ClinVar (database versions not stated): gnomAD exomes 0.00248; 1000 Genomes Project 0.01198; gnomAD 0.01213 and 0.01311; TOPMed 0.01410; 1000 Genomes Project 30x 0.01421.
gnomAD v4.1: 1,834 of 153,574 alleles (1.2%); highest among the groups gnomAD compares: African/African-American, 4%; 41 homozygotes.

Submission:

Illumina Laboratory Services, Illumina
Classification: Benign for Congenital stationary night blindness 1E. Last evaluated: 2018-01-13. Review status: criteria provided, single submitter. Criteria: ICSL Variant Classification Criteria 13 December 2019. Collection method: clinical testing. Allele origin: germline.
Comment: This variant was observed in the ICSL laboratory as part of a predisposition screen in an ostensibly healthy population. It had not been previously curated by ICSL or reported in the Human Gene Mutation Database (HGMD: prior to June 1st, 2018), and was therefore a candidate for classification through an automated scoring system. Utilizing variant allele frequency, disease prevalence and penetrance estimates, and inheritance mode, an automated score was calculated to assess if this variant is too frequent to cause the disease. Based on the score and internal cut-off values, a variant classified as benign is not then subjected to further curation. The score for this variant resulted in a classification of benign for this disease.